The following is an entry in ClinVar:

NM_004320.6(ATP2A1):c.630+16C>G

Gene: ATP2A1 (ATPase sarcoplasmic/endoplasmic reticulum Ca2+ transporting 1; plus strand). Cytogenetic location: 16p11.2.
Variant type: single nucleotide variant.
Coding change: c.630+16C>G on transcript NM_004320.6 (MANE Select); 16 bases into the intron after coding-DNA position 630, C replaced by G.
Molecular consequence: intron variant.
Genome position (GRCh38, 1-based): chr16:28,887,290, C>G. VCF-style: chr16-28887290-C-G. GRCh37 (hg19) VCF-style: chr16-28898611-C-G.
Other names: c.630+16C>G (NM_173201.5); c.255+16C>G (NM_001286075.2).
Identifiers: ClinVar variation 510011 (VCV000510011.10), dbSNP rs139443632, ClinGen allele CA7986714.

ClinVar aggregate classification (germline): Benign/Likely benign. Review status: criteria provided, multiple submitters, no conflicts (2 of 4 stars). 3 submissions from 3 submitters: Benign (1); Likely benign (2). Last evaluated 2026-01-11.

Conditions:
Brody myopathy. Also called: BRODY DISEASE. Identifiers: Orphanet 53347, MedGen C1832918, MONDO:0010977, OMIM 601003.

Allele frequency attached by ClinVar (database versions not stated): gnomAD 0.00048 and 0.00049; ExAC 0.00049; TOPMed 0.00057; ESP Exome Variant Server 0.00069; gnomAD exomes 0.00074 and 0.00037; 1000 Genomes Project 30x 0.00031; 1000 Genomes Project 0.00040.

Submissions (3):

Labcorp Genetics (formerly Invitae), Labcorp
Classification: Benign for Brody myopathy. Last evaluated: 2026-01-11. Review status: criteria provided, single submitter. Criteria: Invitae Variant Classification Sherloc (09022015). Collection method: clinical testing. Allele origin: germline.

Blueprint Genetics
Classification: Likely benign. Last evaluated: 2024-10-14. Review status: criteria provided, single submitter. Criteria: ACMG Guidelines, 2015. Collection method: clinical testing. Allele origin: germline.

GeneDx
Classification: Likely benign. Last evaluated: 2017-06-07. Review status: criteria provided, single submitter. Criteria: GeneDx Variant Classification (06012015). Collection method: clinical testing. Allele origin: germline. Affected: yes.
Comment: This variant is considered likely benign or benign based on one or more of the following criteria: it is a conservative change, it occurs at a poorly conserved position in the protein, it is predicted to be benign by multiple in silico algorithms, and/or has population frequency not consistent with disease.